The following is an entry in ClinVar:

NM_030653.4(DDX11):c.1234G>A (p.Gly412Ser)

Gene: DDX11 (DEAD/H-box helicase 11; plus strand). Cytogenetic location: 12p11.21.
Variant type: single nucleotide variant.
Coding change: c.1234G>A on transcript NM_030653.4 (MANE Select); coding-DNA position 1234, G replaced by A.
Protein change: p.Gly412Ser; replaces glycine 412 with serine.
Molecular consequence: missense variant.
Genome position (GRCh38, 1-based): chr12:31,091,863, G>A. VCF-style: chr12-31091863-G-A. GRCh37 (hg19) VCF-style: chr12-31244797-G-A.
Other names: c.1234G>A, p.Gly412Ser (NM_001257144.2, NM_001413692.1, NM_001413693.1 and 5 more transcripts); c.1156G>A, p.Gly386Ser (NM_001257145.2, NM_001413697.1, NM_001413698.1 and 1 more transcripts); c.1147G>A, p.Gly383Ser (NM_001413700.1); c.706G>A, p.Gly236Ser (NM_001413702.1, NM_001413703.1); c.373G>A, p.Gly125Ser (NM_001413704.1, NM_001413705.1); c.268G>A, p.Gly90Ser (NM_001413706.1); short protein forms G125S, G236S, G383S, G386S, G412S, G90S.
Identifiers: ClinVar variation 2440724 (VCV002440724.4), dbSNP rs773144833, ClinGen allele CA6501140.
Genomic context (GRCh38, chr12:31,091,863, plus strand): 5'-ATCGACGAGGCGCACAACCTGATCGACACCATCACGGGCATGCACAGCGTGGAGGTCAGC[G>A]GCTCCCAGGTGTGTGGGCCTCCCCTCCCCGGGCCAGGGCCTGCTGTGACGTAAAGGGACT-3'
Protein context (NP_085911.2, residues 402-422): ITGMHSVEVS[Gly412Ser]SQLCQAHSQL

ClinVar aggregate classification (germline): Uncertain significance. Review status: criteria provided, multiple submitters, no conflicts (2 of 4 stars). 2 submissions from 2 submitters: Uncertain significance (2). Last evaluated 2025-09-05.

Conditions:
Warsaw breakage syndrome (WABS). Also called: DDX11-Related Cohesinopathy. Identifiers: Orphanet 280558, MedGen C3150658, MONDO:0013252, OMIM 613398.

Allele frequency attached by ClinVar (database versions not stated): gnomAD exomes 0.00003; gnomAD 0.00005; ExAC 0.00007.
gnomAD v4.1: 56 of 1,613,508 alleles (0.0035%); highest among the groups gnomAD compares: South Asian, 0.02%; 1 homozygote.

Submissions (2):

Women's Health and Genetics/Laboratory Corporation of America, LabCorp
Classification: Uncertain significance. Last evaluated: 2025-09-05. Review status: criteria provided, single submitter. Criteria: LabCorp Variant Classification Summary - May 2015. Collection method: clinical testing. Allele origin: germline.
Comment: Variant summary: DDX11 c.1234G>A (p.Gly412Ser) results in a non-conservative amino acid change in the encoded protein sequence. Algorithms developed to predict the effect of missense changes on protein structure and function are either unavailable or do not agree on the potential impact of this missense change. The variant allele was found at a frequency of 6.4e-05 in 250670 control chromosomes in the gnomAD database, including 1 homozygote. This frequency is not significantly higher than estimated for disease-causing variants in DDX11, allowing no conclusion about variant significance. c.1234G>A has been observed in an individual affected with features of Warsaw Breakage Syndrome who had another DDX11 variant in trans and was also had biallelic MARVELD2 variants (Guo_2024). This report does not provide unequivocal conclusions about association of the variant with Warsaw Breakage Syndrome. To our knowledge, no experimental evidence demonstrating an impact on protein function has been reported. The following publication has been ascertained in the context of this evaluation (PMID: 37838930). ClinVar contains an entry for this variant (Variation ID: 2440724). Based on the evidence outlined above, the variant was classified as uncertain significance.

Revvity Omics, Revvity
Classification: Uncertain significance for Warsaw breakage syndrome. Last evaluated: 2023-07-29. Review status: criteria provided, single submitter. Criteria: ACMG Guidelines, 2015. Collection method: clinical testing. Allele origin: germline.

Literature cited by the submitters: PubMed 37838930 (cited by Women's Health and Genetics/Laboratory Corporation of America, LabCorp).